The following is an entry in ClinVar:

ClinVar aggregate classification (germline): Uncertain significance (1 of 4 stars; one submission).

Conditions:
X-linked severe combined immunodeficiency (SCIDX1). Also called: IMMUNODEFICIENCY 4; SCID, X-LINKED; SEVERE COMBINED IMMUNODEFICIENCY, X-LINKED, T CELL-NEGATIVE, B CELL-POSITIVE, NK CELL-NEGATIVE; X-Linked Combined Immunodeficiency Diseases; T-B+ severe combined immunodeficiency due to gamma chain deficiency. Identifiers: Orphanet 276, MedGen C6022468, MONDO:0010315, OMIM 300400. Disease mechanism: loss of function.

gnomAD v4.1: 3 of 1,208,911 alleles (0.00025%); highest among the groups gnomAD compares: Non-Finnish European, 0.00034%; no homozygotes.

Submission:

Labcorp Genetics (formerly Invitae), Labcorp
Classification: Uncertain significance for X-linked severe combined immunodeficiency. Last evaluated: 2024-11-27. Review status: criteria provided, single submitter. Criteria: Invitae Variant Classification Sherloc (09022015). Collection method: clinical testing. Allele origin: germline.
Comment: This sequence change falls in intron 1 of the IL2RG gene. It does not directly change the encoded amino acid sequence of the IL2RG protein. This variant is present in population databases (rs756804552, gnomAD 0.003%). This variant has not been reported in the literature in individuals affected with IL2RG-related conditions. Algorithms developed to predict the effect of sequence changes on RNA splicing suggest that this variant may create or strengthen a splice site. In summary, the available evidence is currently insufficient to determine the role of this variant in disease. Therefore, it has been classified as a Variant of Uncertain Significance.

NM_000206.3(IL2RG):c.115+11T>C

Genes: IL2RG (interleukin 2 receptor subunit gamma; minus strand), LOC126863274 (MED14-independent group 3 enhancer GRCh37_chrX:70330888-70332087; plus strand). Cytogenetic location: Xq13.1.
Variant type: single nucleotide variant.
Coding change: c.115+11T>C on transcript NM_000206.3 (MANE Select); 11 bases into the intron after coding-DNA position 115, T replaced by C.
Molecular consequence: intron variant.
Genome position (GRCh38, 1-based): chrX:71,111,414, A>G on the plus strand (T>C on the coding strand, the complement: IL2RG is on the minus strand). VCF-style: chrX-71111414-A-G. GRCh37 (hg19) VCF-style: chrX-70331264-A-G.
Identifiers: ClinVar variation 3703585 (VCV003703585.2).